The following is an entry in ClinVar:

NM_003848.4(SUCLG2):c.640G>C (p.Val214Leu)

Gene: SUCLG2 (succinate-CoA ligase GDP-forming subunit beta; minus strand). Cytogenetic location: 3p14.1.
Variant type: single nucleotide variant.
Coding change: c.640G>C on transcript NM_003848.4 (MANE Select); coding-DNA position 640, G replaced by C.
Protein change: p.Val214Leu; replaces valine 214 with leucine.
Molecular consequence: missense variant.
Genome position (GRCh38, 1-based): chr3:67,518,267, C>G on the plus strand (G>C on the coding strand, the complement: SUCLG2 is on the minus strand). VCF-style: chr3-67518267-C-G. GRCh37 (hg19) VCF-style: chr3-67568691-C-G.
Other names: c.640G>C, p.Val214Leu (NM_001177599.2); short protein forms V214L.
Identifiers: ClinVar variation 3626330 (VCV003626330.2).

ClinVar aggregate classification (germline): Uncertain significance (1 of 4 stars; one submission).

gnomAD v4.1: 7 of 1,612,162 alleles (0.00043%); highest among the groups gnomAD compares: South Asian, 0.0022%; no homozygotes.

Submission:

Labcorp Genetics (formerly Invitae), Labcorp
Classification: Uncertain significance. Last evaluated: 2025-02-11. Review status: criteria provided, single submitter. Criteria: Invitae Variant Classification Sherloc (09022015). Collection method: clinical testing. Allele origin: germline.
Comment: This sequence change replaces valine, which is neutral and non-polar, with leucine, which is neutral and non-polar, at codon 214 of the SUCLG2 protein (p.Val214Leu). This variant is present in population databases (no rsID available, gnomAD 0.007%). This variant has not been reported in the literature in individuals affected with SUCLG2-related conditions. An algorithm developed to predict the effect of missense changes on protein structure and function outputs the following: PolyPhen-2: "Benign". The leucine amino acid residue is found in multiple mammalian species, which suggests that this missense change does not adversely affect protein function. In summary, the available evidence is currently insufficient to determine the role of this variant in disease. Therefore, it has been classified as a Variant of Uncertain Significance.